The following is an entry in ClinVar:

NM_000179.3(MSH6):c.2549dup (p.Tyr850Ter)

Gene: MSH6 (mutS homolog 6; plus strand). Cytogenetic location: 2p16.3.
Variant type: Duplication.
Coding change: c.2549dup on transcript NM_000179.3 (MANE Select); coding-DNA position 2549, one base duplicated (A; older notation c.2549dupA).
Protein change: p.Tyr850Ter; replaces tyrosine 850 with a stop codon.
Molecular consequence: nonsense. On other transcripts: non-coding transcript variant (5), intron variant (3), frameshift variant (1).
Genome position (GRCh38, 1-based): chr2:47,800,532, A duplicated. VCF-style (leftmost placement, unchanged base first): chr2-47800531-T-TA. GRCh37 (hg19) VCF-style: chr2-48027670-T-TA.
Other names: c.1643dup, p.Tyr548Ter (NM_001406811.1, NM_001406812.1, NM_001406814.1 and 6 more transcripts); c.2555dup, p.Tyr852Ter (NM_001406813.1); c.2252dup, p.Tyr751Ter (NM_001406818.1, NM_001406819.1, NM_001406820.1 and 10 more transcripts); c.2381dup, p.Tyr794Ter (NM_001406826.1); c.2308+241dup (NM_001406803.1); c.1606+943dup (NM_001406817.1); c.628-134dup (NM_001407362.1); c.2549dup, p.Tyr850Ter (NM_001406798.1, NM_001406800.1, NM_001406808.1 and 2 more transcripts); and 5 more; short protein forms Y548*, Y675*, Y720*, Y751*, Y794*, Y824*, Y850*, Y852*.
Identifiers: ClinVar variation 4860420 (VCV004860420.1).

ClinVar aggregate classification (germline): Pathogenic (1 of 4 stars; one submission).

Conditions:
Hereditary cancer-predisposing syndrome. Also called: Neoplastic Syndromes, Hereditary; Tumor predisposition; Hereditary Cancer Syndrome; Hereditary neoplastic syndrome. Identifiers: Orphanet 140162, MedGen C0027672, MeSH D009386, MONDO:0015356.

Submission:

Ambry Genetics
Classification: Pathogenic for Hereditary cancer-predisposing syndrome. Last evaluated: 2026-05-19. Review status: criteria provided, single submitter. Criteria: Ambry Variant Classification Scheme 2023. Collection method: clinical testing. Allele origin: germline.
Comment: The c.2549dupA variant, located in coding exon 4 of the MSH6 gene, results from a duplication of A at nucleotide position 2549, causing a translational frameshift with a predicted alternate stop codon (p.Y850*). This variant is considered to be rare based on population cohorts in the Genome Aggregation Database (gnomAD). This alteration is expected to result in loss of function by premature protein truncation or nonsense-mediated mRNA decay. As such, this alteration is interpreted as a disease-causing mutation.